The following is an entry in ClinVar:

NM_001297.5(CNGB1):c.1672A>C (p.Ser558Arg)

Gene: CNGB1 (cyclic nucleotide gated channel subunit beta 1; minus strand). Cytogenetic location: 16q21.
Variant type: single nucleotide variant.
Coding change: c.1672A>C on transcript NM_001297.5 (MANE Select); coding-DNA position 1672, A replaced by C.
Protein change: p.Ser558Arg; replaces serine 558 with arginine.
Molecular consequence: missense variant.
Genome position (GRCh38, 1-based): chr16:57,920,516, T>G on the plus strand (A>C on the coding strand, the complement: CNGB1 is on the minus strand). VCF-style: chr16-57920516-T-G. GRCh37 (hg19) VCF-style: chr16-57954420-T-G.
Other names: c.1654A>C, p.Ser552Arg (NM_001286130.2); short protein forms S552R, S558R.
Identifiers: ClinVar variation 1020334 (VCV001020334.9), dbSNP rs774536610, ClinGen allele CA8083329.

ClinVar aggregate classification (germline): Uncertain significance (1 of 4 stars; one submission).

Allele frequency attached by ClinVar (database versions not stated): gnomAD exomes below 0.00001; ExAC 0.00002.
gnomAD v4.1: 1 of 1,613,874 alleles (0.000062%); highest among the groups gnomAD compares: Non-Finnish European, 0.000085%; no homozygotes.

Submission:

Labcorp Genetics (formerly Invitae), Labcorp
Classification: Uncertain significance. Last evaluated: 2020-02-21. Review status: criteria provided, single submitter. Criteria: Invitae Variant Classification Sherloc (09022015). Collection method: clinical testing. Allele origin: germline.
Comment: In summary, the available evidence is currently insufficient to determine the role of this variant in disease. Therefore, it has been classified as a Variant of Uncertain Significance. Algorithms developed to predict the effect of missense changes on protein structure and function are either unavailable or do not agree on the potential impact of this missense change (SIFT: "Deleterious"; PolyPhen-2: "Probably Damaging"; Align-GVGD: "Class C0"). This variant has not been reported in the literature in individuals with CNGB1-related conditions. This variant is present in population databases (rs774536610, ExAC 0.003%). This sequence change replaces serine with arginine at codon 558 of the CNGB1 protein (p.Ser558Arg). The serine residue is highly conserved and there is a moderate physicochemical difference between serine and arginine.